The following is an entry in ClinVar:

NM_001278293.3(ARL6):c.266C>A (p.Ala89Asp)

Gene: ARL6 (ARF like GTPase 6; plus strand). Cytogenetic location: 3q11.2.
Variant type: single nucleotide variant.
Coding change: c.266C>A on transcript NM_001278293.3 (MANE Select); coding-DNA position 266, C replaced by A.
Protein change: p.Ala89Asp; replaces alanine 89 with aspartic acid.
Molecular consequence: missense variant. On other transcripts: non-coding transcript variant (7).
Genome position (GRCh38, 1-based): chr3:97,784,966, C>A. VCF-style: chr3-97784966-C-A. GRCh37 (hg19) VCF-style: chr3-97503810-C-A.
Other names: c.266C>A, p.Ala89Asp (NM_001323513.2, NM_001323514.2, NM_032146.5 and 1 more transcripts); short protein forms A89D.
Identifiers: ClinVar variation 899729 (VCV000899729.6), dbSNP rs587777805, ClinGen allele CA353587058.

ClinVar aggregate classification (germline): Uncertain significance. Review status: criteria provided, multiple submitters, no conflicts (2 of 4 stars). 4 submissions from 3 submitters: Uncertain significance (3). 1 of the submissions does not count toward it. Last evaluated 2022-03-28.

Conditions:
ARL6-related disorder. Also called: ARL6-related condition.
Bardet-Biedl syndrome 3 (BBS3). Identifiers: Orphanet 110, MedGen C1859564, MONDO:0010832, OMIM 600151.
Retinitis pigmentosa (RP). Identifiers: Orphanet 791, MedGen C0035334, MeSH D012174, MONDO:0019200, OMIM 268000. Inheritance: Autosomal dominant, autosomal recessive and X linked inheritance.

gnomAD v4.1: 2 of 1,611,308 alleles (0.00012%); highest among the groups gnomAD compares: Non-Finnish European, 0.00017%; no homozygotes.

Submissions (4):

Blueprint Genetics
Classification: Uncertain significance. Last evaluated: 2022-03-28. Review status: criteria provided, single submitter. Criteria: ACMG Guidelines, 2015. Collection method: clinical testing. Allele origin: germline.

Illumina Laboratory Services, Illumina
Classification: Uncertain significance for Retinitis pigmentosa. Last evaluated: 2017-04-27. Review status: criteria provided, single submitter. Criteria: ICSL Variant Classification Criteria 13 December 2019. Collection method: clinical testing. Allele origin: germline.

Illumina Laboratory Services, Illumina
Classification: Uncertain significance for Bardet-Biedl syndrome 3. Last evaluated: 2017-04-27. Review status: criteria provided, single submitter. Criteria: ICSL Variant Classification Criteria 13 December 2019. Collection method: clinical testing. Allele origin: germline.

PreventionGenetics, part of Exact Sciences
Classification: Uncertain significance for ARL6-related condition. Last evaluated: 2024-01-10. Review status: no assertion criteria provided. Collection method: clinical testing. Allele origin: germline. Not counted in ClinVar's aggregate classification.
Comment: The ARL6 c.266C>A variant is predicted to result in the amino acid substitution p.Ala89Asp. To our knowledge, this variant has not been reported in the literature or in a large population database, indicating this variant is rare. At this time, the clinical significance of this variant is uncertain due to the absence of conclusive functional and genetic evidence.